The following is an entry in ClinVar:

ClinVar aggregate classification (germline): Conflicting classifications of pathogenicity. Review status: criteria provided, conflicting classifications (1 of 4 stars). 6 submissions from 6 submitters: Likely pathogenic (2); Uncertain significance (3). 1 of the submissions does not count toward it. Last evaluated 2024-12-23.

Conditions:
Ataxia-telangiectasia syndrome (AT). Also called: Ataxia telangiectasia (A-T); LOUIS-BAR SYNDROME; Cerebello-oculocutaneous telangiectasia; Immunodeficiency with ataxia telangiectasia; Ataxia-telangiectasia, complementation group D; AT, COMPLEMENTATION GROUP C. Identifiers: Orphanet 100, MedGen C0004135, MONDO:0008840, OMIM 208900.
Hereditary cancer-predisposing syndrome. Also called: Hereditary neoplastic syndrome; Neoplastic Syndromes, Hereditary; Tumor predisposition; Hereditary Cancer Syndrome. Identifiers: Orphanet 140162, MedGen C0027672, MeSH D009386, MONDO:0015356.
Familial cancer of breast. Also called: Hereditary breast cancer; hereditary breast carcinoma; BREAST CANCER, FAMILIAL. Identifiers: Orphanet 227535, MedGen C0346153, MONDO:0016419, OMIM 114480. Disease mechanism: loss of function.

gnomAD v4.1: 1 of 1,613,486 alleles (0.000062%); highest among the groups gnomAD compares: South Asian, 0.0011%; no homozygotes.

Submissions (6):

Ambry Genetics
Classification: Likely pathogenic for Hereditary cancer-predisposing syndrome. Last evaluated: 2024-12-23. Review status: criteria provided, single submitter. Criteria: Ambry Variant Classification Scheme 2023. Collection method: clinical testing. Allele origin: germline.
Comment: The p.R1730L variant (also known as c.5189G>T), located in coding exon 34 of the ATM gene, results from a G to T substitution at nucleotide position 5189. The arginine at codon 1730 is replaced by leucine, an amino acid with dissimilar properties. This alteration has been previously reported in an individual with a clinical diagnosis of ataxia-telangiectasia (AT) along with another ATM alteration; however, information about the phase (cis vs trans) of these two alterations was not provided (Micol R et al. J. Allergy Clin. Immunol., 2011 Aug;128:382-9.e1). This amino acid position is highly conserved in available vertebrate species. In addition, this alteration is predicted to be deleterious by in silico analysis. This variant is considered to be rare based on population cohorts in the Genome Aggregation Database (gnomAD). Based on the majority of available evidence to date, this variant is likely to be pathogenic.

Fulgent Genetics
Classification: Likely pathogenic for Familial cancer of breast; Ataxia-telangiectasia syndrome. Last evaluated: 2024-06-10. Review status: criteria provided, single submitter. Criteria: ACMG Guidelines, 2015. Collection method: clinical testing. Allele origin: germline.

Women's Health and Genetics/Laboratory Corporation of America, LabCorp
Classification: Uncertain significance. Last evaluated: 2024-06-03. Review status: criteria provided, single submitter. Criteria: LabCorp Variant Classification Summary - May 2015. Collection method: clinical testing. Allele origin: germline.
Comment: Variant summary: ATM c.5189G>T (p.Arg1730Leu) results in a non-conservative amino acid change in the encoded protein sequence. Four of five in-silico tools predict a damaging effect of the variant on protein function. The variant was absent in 251120 control chromosomes. The available data on variant occurrences in the general population are insufficient to allow any conclusion about variant significance. c.5189G>T has been reported in the literature in at least one compound heterozygous individual affected with Ataxia-Telangiectasia who also developed breast cancer (Jacquemin_2012). These data do not allow any conclusion about variant significance. To our knowledge, no experimental evidence demonstrating an impact on protein function has been reported. The following publications have been ascertained in the context of this evaluation (PMID: 22071889, 21665257, 29665859). ClinVar contains an entry for this variant (Variation ID: 407496). Based on the evidence outlined above, the variant was classified as uncertain significance.

Labcorp Genetics (formerly Invitae), Labcorp
Classification: Uncertain significance for Ataxia-telangiectasia syndrome. Last evaluated: 2023-10-09. Review status: criteria provided, single submitter. Criteria: Invitae Variant Classification Sherloc (09022015). Collection method: clinical testing. Allele origin: germline.
Comment: This sequence change replaces arginine, which is basic and polar, with leucine, which is neutral and non-polar, at codon 1730 of the ATM protein (p.Arg1730Leu). This variant is not present in population databases (gnomAD no frequency). This missense change has been observed in individual(s) with late-onset ataxia and breast cancer (PMID: 22071889). ClinVar contains an entry for this variant (Variation ID: 407496). An algorithm developed to predict the effect of missense changes on protein structure and function (PolyPhen-2) suggests that this variant is likely to be disruptive. RNA analysis performed to evaluate the impact of this missense change on mRNA splicing indicates it does not significantly alter splicing (Invitae). In summary, the available evidence is currently insufficient to determine the role of this variant in disease. Therefore, it has been classified as a Variant of Uncertain Significance.

Color Diagnostics, LLC DBA Color Health
Classification: Uncertain significance for Hereditary cancer-predisposing syndrome. Last evaluated: 2023-01-30. Review status: criteria provided, single submitter. Criteria: ACMG Guidelines, 2015. Collection method: clinical testing. Allele origin: germline.
Comment: This missense variant replaces arginine with leucine at codon 1730 of the ATM protein. Computational prediction suggests that this variant may have deleterious impact on protein structure and function (internally defined REVEL score threshold >= 0.7, PMID: 27666373). To our knowledge, functional studies have not been reported for this variant. This variant has been reported in an individual affected with late-onset ataxia-telangiectasia and breast cancer (PMID: 21665257, 22071889) and in an individual affected with breast cancer (PMID: 29665859). This variant has not been identified in the general population by the Genome Aggregation Database (gnomAD). The available evidence is insufficient to determine the role of this variant in disease conclusively. Therefore, this variant is classified as a Variant of Uncertain Significance.

Natera, Inc.
Classification: Uncertain significance for Ataxia-telangiectasia. Last evaluated: 2020-09-08. Review status: no assertion criteria provided. Collection method: clinical testing. Allele origin: germline. Not counted in ClinVar's aggregate classification.

Literature cited by the submitters: PubMed 21665257 (cited by 3 submitters); PubMed 22071889 (cited by 4 submitters); PubMed 29665859 (cited by Women's Health and Genetics/Laboratory Corporation of America, LabCorp and Color Diagnostics, LLC DBA Color Health).

NM_000051.4(ATM):c.5189G>T (p.Arg1730Leu)

Gene: ATM (ATM serine/threonine kinase; plus strand). Cytogenetic location: 11q22.3.
Variant type: single nucleotide variant.
Coding change: c.5189G>T on transcript NM_000051.4 (MANE Select); coding-DNA position 5189, G replaced by T.
Protein change: p.Arg1730Leu; replaces arginine 1730 with leucine.
Molecular consequence: missense variant.
Genome position (GRCh38, 1-based): chr11:108,301,659, G>T. VCF-style: chr11-108301659-G-T. GRCh37 (hg19) VCF-style: chr11-108172386-G-T.
Other names: c.5189G>T, p.Arg1730Leu (NM_001351834.2); short protein forms R1730L.
Identifiers: ClinVar variation 407496 (VCV000407496.25), dbSNP rs373789346, ClinGen allele CA16613065.